The following is an entry in ClinVar:

ClinVar aggregate classification (germline): Likely pathogenic (1 of 4 stars; one submission).

Submission:

Labcorp Genetics (formerly Invitae), Labcorp
Classification: Likely pathogenic. Last evaluated: 2023-10-15. Review status: criteria provided, single submitter. Criteria: Invitae Variant Classification Sherloc (09022015). Collection method: clinical testing. Allele origin: unknown.
Comment: This variant results in a copy number gain of the genomic region encompassing exon(s) 11 of the USH2A gene. While the exact position of this variant cannot be determined from the data, sub-genic copy number gains are generally in tandem (PMID: 25640679). This variant is predicted to be out-of-frame, and may result in an absent or disrupted protein product. Loss-of-function variants in USH2A are known to be pathogenic (PMID: 10729113, 10909849, 20507924, 25649381). This variant has not been reported in the literature in individuals affected with USH2A-related conditions. In summary, the currently available evidence indicates that the variant is pathogenic, but additional data are needed to prove that conclusively. Therefore, this variant has been classified as Likely Pathogenic.

Literature cited by the submitters: PubMed 25640679; PubMed 10729113; PubMed 10909849; PubMed 20507924; PubMed 25649381.

NC_000001.10:g.(?_216462602)_(216462772_?)dup

Gene: USH2A (usherin; minus strand). Cytogenetic location: 1q41.
Variant type: Duplication.
Identifiers: ClinVar variation 3248075 (VCV003248075.1).